The following is an entry in ClinVar:

NM_001385641.1(SAMD11):c.2452G>A (p.Ala818Thr)

Gene: SAMD11 (sterile alpha motif domain containing 11; plus strand). Cytogenetic location: 1p36.33.
Variant type: single nucleotide variant.
Coding change: c.2452G>A on transcript NM_001385641.1 (MANE Select); coding-DNA position 2452, G replaced by A.
Protein change: p.Ala818Thr; replaces alanine 818 with threonine.
Molecular consequence: missense variant.
Genome position (GRCh38, 1-based): chr1:944,070, G>A. VCF-style: chr1-944070-G-A. GRCh37 (hg19) VCF-style: chr1-879450-G-A.
Other names: c.2455G>A, p.Ala819Thr (NM_001385640.1); c.1963G>A, p.Ala655Thr (NM_152486.4); short protein forms A655T, A818T, A819T.
Identifiers: ClinVar variation 3611451 (VCV003611451.2).

ClinVar aggregate classification (germline): Uncertain significance (1 of 4 stars; one submission).

gnomAD v4.1: 1 of 1,612,636 alleles (0.000062%); highest among the groups gnomAD compares: Non-Finnish European, 0.000085%; no homozygotes.

Submission:

Labcorp Genetics (formerly Invitae), Labcorp
Classification: Uncertain significance. Last evaluated: 2025-01-12. Review status: criteria provided, single submitter. Criteria: Invitae Variant Classification Sherloc (09022015). Collection method: clinical testing. Allele origin: germline.
Comment: This sequence change replaces alanine, which is neutral and non-polar, with threonine, which is neutral and polar, at codon 655 of the SAMD11 protein (p.Ala655Thr). This variant is not present in population databases (gnomAD no frequency). This variant has not been reported in the literature in individuals affected with SAMD11-related conditions. An algorithm developed to predict the effect of missense changes on protein structure and function outputs the following: PolyPhen-2: "Benign". The threonine amino acid residue is found in multiple mammalian species, which suggests that this missense change does not adversely affect protein function. In summary, the available evidence is currently insufficient to determine the role of this variant in disease. Therefore, it has been classified as a Variant of Uncertain Significance.